The following is an entry in ClinVar:

ClinVar aggregate classification (germline): Likely pathogenic. Review status: criteria provided, multiple submitters, no conflicts (2 of 4 stars). 4 submissions from 4 submitters: Likely pathogenic (3). 1 of the submissions does not count toward it. Last evaluated 2024-12-13.

Conditions:
Baraitser-Winter syndrome 1 (BRWS1). Also called: BARAITSER-WINTER SYNDROME 1, ATYPICAL; Cerebrofrontofacial syndrome; PACHYGYRIA, MENTAL RETARDATION, EPILEPSY, AND CHARACTERISTIC FACIES; MENTAL RETARDATION WITH EPILEPSY AND CHARACTERISTIC FACIES. Identifiers: Orphanet 2649, Orphanet 2995, MedGen C1855722, MONDO:0009470, OMIM 243310.
Inborn genetic diseases. Identifiers: MedGen C0950123, MeSH D030342.

Submissions (4):

Centro Nacional de Genética Medica, Administración Nacional de Laboratorios e Institutos de Salud (ANLIS) “Dr. Carlos G Malbrán”
Classification: Likely pathogenic for Baraitser-Winter syndrome 1. Last evaluated: 2024-12-13. Review status: criteria provided, single submitter. Criteria: ACMG Guidelines, 2015. Collection method: clinical testing. Allele origin: germline. Affected: yes. Observed: 1 variant allele.
Comment: The variant is located in the Actin functional domain of the protein (entry Pfam:PF00022), specifically in the hydrophobic pocket between SD1 and SD3 in one of the helices that form part of this region (amino acid position: 253-259). This region participates in the polymerization and depolymerization processes between monomers (PM1). The variant found is not present in population databases such as GnomAD, ExAc, or 1000 Genomes (PM2_Supporting). The gene has poor tolerance for missense changes, with 105 reports of pathogenic variants and no reports of benign variants in the GnomAD database (Genome Aggregation Database (gnomAD v4.1.0™). This is reflected in the Z-score greater than 3.09 (Z=7.69) (PP2). Bioinformatics predictors (AlphaMissense, REVEL, EVE, SIFT, PolyPhen, and BayesDel) classify the variant as deleterious (PP3). The patient's phenotype is consistent with Baraitser-Winter Syndrome1, as explained previously (PP4). Based on the above and following the international rules of the American College of Medical Genetics (ACMG), the variant identified in heterozygosity in the ACTB gene c.773C>T (NM_001101.5) is classified as probably pathogenic (PM1, PM2_Supporting). PP2, PP3 and PP4).

Dubai Health Genomic Medicine Center, Dubai Health
Classification: Likely pathogenic for Baraitser-Winter syndrome 1. Last evaluated: 2024-10-04. Review status: criteria provided, single submitter. Criteria: ACMG Guidelines, 2015. Collection method: research. Allele origin: germline. Affected: yes.
Comment: PM2,PP3,PM6,PP2

Ambry Genetics
Classification: Likely pathogenic for Inborn genetic diseases. Last evaluated: 2018-06-05. Review status: criteria provided, single submitter. Criteria: Ambry exome assertion method (8-5-2015). Collection method: clinical testing. Allele origin: germline. Affected: yes. Observed: 1 variant allele.

Laboratory of Molecular Genetics (Pr. Bezieau's lab), CHU de Nantes
Classification: Pathogenic. Last evaluated: 2017-04-10. Review status: no assertion criteria provided. Collection method: clinical testing. Allele origin: germline. Affected: yes. Not counted in ClinVar's aggregate classification.

NM_001101.5(ACTB):c.773C>T (p.Pro258Leu)

Gene: ACTB (actin beta; minus strand). Cytogenetic location: 7p22.1.
Variant type: single nucleotide variant.
Coding change: c.773C>T on transcript NM_001101.5 (MANE Select); coding-DNA position 773, C replaced by T.
Protein change: p.Pro258Leu; replaces proline 258 with leucine.
Molecular consequence: missense variant.
Genome position (GRCh38, 1-based): chr7:5,528,310, G>A on the plus strand (C>T on the coding strand, the complement: ACTB is on the minus strand). VCF-style: chr7-5528310-G-A. GRCh37 (hg19) VCF-style: chr7-5567941-G-A.
Other names: short protein forms P258L.
Identifiers: ClinVar variation 545067 (VCV000545067.6), dbSNP rs1554329281, ClinGen allele CA366701898.